The following is an entry in ClinVar:

ClinVar aggregate classification (germline): Uncertain significance (1 of 4 stars; one submission).

Submission:

Labcorp Genetics (formerly Invitae), Labcorp
Classification: Uncertain significance. Last evaluated: 2024-04-09. Review status: criteria provided, single submitter. Criteria: Invitae Variant Classification Sherloc (09022015). Collection method: clinical testing. Allele origin: germline.
Comment: This sequence change replaces aspartic acid, which is acidic and polar, with glycine, which is neutral and non-polar, at codon 248 of the RAI1 protein (p.Asp248Gly). This variant is not present in population databases (gnomAD no frequency). This variant has not been reported in the literature in individuals affected with RAI1-related conditions. Advanced modeling of protein sequence and biophysical properties (such as structural, functional, and spatial information, amino acid conservation, physicochemical variation, residue mobility, and thermodynamic stability) performed at Invitae indicates that this missense variant is not expected to disrupt RAI1 protein function with a negative predictive value of 80%. In summary, the available evidence is currently insufficient to determine the role of this variant in disease. Therefore, it has been classified as a Variant of Uncertain Significance.

NM_030665.4(RAI1):c.743A>G (p.Asp248Gly)

Gene: RAI1 (retinoic acid induced 1; plus strand). Cytogenetic location: 17p11.2.
Variant type: single nucleotide variant.
Coding change: c.743A>G on transcript NM_030665.4 (MANE Select); coding-DNA position 743, A replaced by G.
Protein change: p.Asp248Gly; replaces aspartic acid 248 with glycine.
Molecular consequence: missense variant.
Genome position (GRCh38, 1-based): chr17:17,793,691, A>G. VCF-style: chr17-17793691-A-G. GRCh37 (hg19) VCF-style: chr17-17697005-A-G.
Other names: short protein forms D248G.
Identifiers: ClinVar variation 3617370 (VCV003617370.2).